The following is an entry in ClinVar:

NM_004667.6(HERC2):c.1123A>G (p.Arg375Gly)

Gene: HERC2 (HECT and RLD domain containing E3 ubiquitin protein ligase 2; minus strand). Cytogenetic location: 15q13.1.
Variant type: single nucleotide variant.
Coding change: c.1123A>G on transcript NM_004667.6 (MANE Select); coding-DNA position 1123, A replaced by G.
Protein change: p.Arg375Gly; replaces arginine 375 with glycine.
Molecular consequence: missense variant.
Genome position (GRCh38, 1-based): chr15:28,270,829, T>C on the plus strand (A>G on the coding strand, the complement: HERC2 is on the minus strand). VCF-style: chr15-28270829-T-C. GRCh37 (hg19) VCF-style: chr15-28515975-T-C.
Other names: short protein forms R375G.
Identifiers: ClinVar variation 429360 (VCV000429360.2), dbSNP rs568161836, ClinGen allele CA7443559.

ClinVar aggregate classification (germline): Uncertain significance (1 of 4 stars; one submission).

Allele frequency attached by ClinVar (database versions not stated): gnomAD below 0.00001 and 0.00003; gnomAD exomes 0.00009; ExAC 0.00014; 1000 Genomes Project 0.00060; 1000 Genomes Project 30x 0.00078.
gnomAD v4.1: 53 of 1,613,808 alleles (0.0033%); highest among the groups gnomAD compares: South Asian, 0.058%; no homozygotes.

Submission:

GeneDx
Classification: Uncertain significance. Last evaluated: 2017-05-08. Review status: criteria provided, single submitter. Criteria: GeneDx Variant Classification (06012015). Collection method: clinical testing. Allele origin: germline. Affected: yes.
Comment: The R375G variant in the HERC2 gene has not been reported previously as a pathogenic variant, nor as a benign variant, to our knowledge. The R375G variant is observed in 17/16386 (0.1%) alleles from individuals of South Asian background in the ExAC dataset (Lek et al., 2016). The R375G variant is a non-conservative amino acid substitution, which occurs at a position that is conserved across species. In silico analysis predicts this variant is probably damaging to the protein structure/function. We interpret R375G as a variant of uncertain significance.